The following is an entry in ClinVar:

NM_015450.3(POT1):c.255+1G>T

Gene: POT1 (protection of telomeres 1; minus strand). Cytogenetic location: 7q31.33.
Variant type: single nucleotide variant.
Coding change: c.255+1G>T on transcript NM_015450.3 (MANE Select); the canonical splice donor site of the intron after coding-DNA position 255, G replaced by T.
Molecular consequence: splice donor variant. On other transcripts: intron variant (1).
Genome position (GRCh38, 1-based): chr7:124,870,910, C>A on the plus strand (G>T on the coding strand, the complement: POT1 is on the minus strand). VCF-style: chr7-124870910-C-A. GRCh37 (hg19) VCF-style: chr7-124510964-C-A.
Other names: c.-138-7270G>T (NM_001042594.2).
Identifiers: ClinVar variation 1006038 (VCV001006038.10), dbSNP rs1584777699, ClinGen allele CA369061238.

ClinVar aggregate classification (germline): Pathogenic/Likely pathogenic. Review status: criteria provided, multiple submitters, no conflicts (2 of 4 stars). 2 submissions from 2 submitters: Pathogenic (1); Likely pathogenic (1). Last evaluated 2024-08-27.

Conditions:
Tumor predisposition syndrome 3 (TPDS3). Also called: Glioma susceptibility 9; LONG TELOMERE SYNDROME, POT1-RELATED; POT1 Tumor Predisposition; Melanoma, cutaneous malignant, susceptibility to, 10. Identifiers: Orphanet 618, MedGen C4014476, MONDO:0014368, OMIM 615848.
Hereditary cancer-predisposing syndrome. Also called: Neoplastic Syndromes, Hereditary; Hereditary Cancer Syndrome; Hereditary neoplastic syndrome; Tumor predisposition. Identifiers: Orphanet 140162, MedGen C0027672, MeSH D009386, MONDO:0015356.

Submissions (2):

Ambry Genetics
Classification: Likely pathogenic for Hereditary cancer-predisposing syndrome. Last evaluated: 2024-08-27. Review status: criteria provided, single submitter. Criteria: Ambry Variant Classification Scheme 2023. Collection method: clinical testing. Allele origin: germline.
Comment: The c.255+1G>T intronic variant results from a G to T substitution one nucleotide after coding exon 3 of the POT1 gene. This nucleotide position is highly conserved in available vertebrate species. In silico splice site analysis predicts that this alteration will weaken the native splice donor site; however, direct evidence is insufficient at this time (Ambry internal data). Alterations that disrupt the canonical splice site are expected to cause aberrant splicing, resulting in an abnormal protein or a transcript that is subject to nonsense-mediated mRNA decay. As such, this alteration is classified as likely pathogenic.

Labcorp Genetics (formerly Invitae), Labcorp
Classification: Pathogenic for Tumor predisposition syndrome 3. Last evaluated: 2023-12-18. Review status: criteria provided, single submitter. Criteria: Invitae Variant Classification Sherloc (09022015). Collection method: clinical testing. Allele origin: germline.
Comment: This sequence change affects a donor splice site in intron 7 of the POT1 gene. RNA analysis indicates that disruption of this splice site induces altered splicing and may result in an absent or disrupted protein product. This variant is not present in population databases (gnomAD no frequency). Disruption of this splice site has been observed in individual(s) with multiple primary melanoma (PMID: 32325837; Invitae). ClinVar contains an entry for this variant (Variation ID: 1006038). Studies have shown that disruption of this splice site results in skipping of exon 7 and introduces a premature termination codon (PMID: 32325837; Invitae). The resulting mRNA is expected to undergo nonsense-mediated decay. For these reasons, this variant has been classified as Pathogenic.

Literature cited by the submitters: PubMed 32325837 (cited by Labcorp Genetics (formerly Invitae), Labcorp).